The following is an entry in ClinVar:

NM_000026.4(ADSL):c.1439C>G (p.Ala480Gly)

Gene: ADSL (adenylosuccinate lyase; plus strand). Cytogenetic location: 22q13.1.
Variant type: single nucleotide variant.
Coding change: c.1439C>G on transcript NM_000026.4 (MANE Select); coding-DNA position 1439, C replaced by G.
Protein change: p.Ala480Gly; replaces alanine 480 with glycine.
Molecular consequence: missense variant. On other transcripts: non-coding transcript variant (1), intron variant (1).
Genome position (GRCh38, 1-based): chr22:40,366,506, C>G. VCF-style: chr22-40366506-C-G. GRCh37 (hg19) VCF-style: chr22-40762510-C-G.
Other names: p.A480G:GCA>GGA; c.1262C>G, p.Ala421Gly (NM_001123378.3); c.1247C>G, p.Ala416Gly (NM_001317923.2); c.1431+8C>G (NM_001363840.3); short protein forms A480G, A416G, A421G.
Identifiers: ClinVar variation 204803 (VCV000204803.15), dbSNP rs796052250, ClinGen allele CA313123.

ClinVar aggregate classification (germline): Uncertain significance. Review status: criteria provided, multiple submitters, no conflicts (2 of 4 stars). 4 submissions from 4 submitters: Uncertain significance (4). Last evaluated 2025-08-29.

Conditions:
Inborn genetic diseases. Identifiers: MedGen C0950123, MeSH D030342.
Adenylosuccinate lyase deficiency (ADSLD). Also called: ADSL DEFICIENCY. Identifiers: Orphanet 46, MedGen C0268126, MONDO:0007068, OMIM 103050.

Allele frequency attached by ClinVar (database versions not stated): gnomAD 0.00001; gnomAD exomes 0.00001.
gnomAD v4.1: 12 of 1,610,388 alleles (0.00075%); highest among the groups gnomAD compares: African/African-American, 0.0013%; no homozygotes.

Submissions (4):

Ambry Genetics
Classification: Uncertain significance for Inborn genetic diseases. Last evaluated: 2025-08-29. Review status: criteria provided, single submitter. Criteria: Ambry Variant Classification Scheme 2023. Collection method: clinical testing. Allele origin: germline.

Labcorp Genetics (formerly Invitae), Labcorp
Classification: Uncertain significance for Adenylosuccinate lyase deficiency. Last evaluated: 2020-10-12. Review status: criteria provided, single submitter. Criteria: Invitae Variant Classification Sherloc (09022015). Collection method: clinical testing. Allele origin: germline.
Comment: This sequence change replaces alanine with glycine at codon 480 of the ADSL protein (p.Ala480Gly). The alanine residue is weakly conserved and there is a small physicochemical difference between alanine and glycine. This variant is not present in population databases (ExAC no frequency). This variant has not been reported in the literature in individuals with ADSL-related conditions. ClinVar contains an entry for this variant (Variation ID: 204803). Algorithms developed to predict the effect of missense changes on protein structure and function are either unavailable or do not agree on the potential impact of this missense change (SIFT: "Deleterious"; PolyPhen-2: "Benign"; Align-GVGD: "Class C0"). In summary, the available evidence is currently insufficient to determine the role of this variant in disease. Therefore, it has been classified as a Variant of Uncertain Significance.

Eurofins Ntd Llc (ga)
Classification: Uncertain significance. Last evaluated: 2017-05-05. Review status: criteria provided, single submitter. Criteria: EGL Classification Definitions 2015. Collection method: clinical testing. Allele origin: germline. Observed: 1 variant allele, 1 heterozygote.

GeneDx
Classification: Uncertain significance. Last evaluated: 2013-08-27. Review status: criteria provided, single submitter. Criteria: GeneDx Variant Classification (06012015). Collection method: clinical testing. Allele origin: germline. Affected: yes.
Comment: p.Ala480Gly (GCA>GGA): c.1439 C>G in exon 13 of the ADSL gene (NM_000026.2) The Ala480Gly missense change has not been published as a mutation, nor has it been reported as a benign polymorphism to our knowledge. It was not observed in approximately 6,500 individuals of European and African American ancestry in the NHLBI Exome Sequencing Project, indicating it is not a common benign variant in these populations. This variant is a conservative amino acid substitution, as both Alanine and Glycine are uncharged, non-polar amino acids. It alters a position that is not conserved across species, and in silico analysis predicts this variant likely has a benign effect on the protein structure/function. Therefore, based on the currently available information, it is unclear whether Ala480Gly is a disease-causing mutation or a rare benign variant. The variant is found in INFANT-EPI panel(s).